The following is an entry in ClinVar:

NM_000089.4(COL1A2):c.3936dup (p.Leu1313fs)

Gene: COL1A2 (collagen type I alpha 2 chain; plus strand). Cytogenetic location: 7q21.3.
Variant type: Duplication.
Coding change: c.3936dup on transcript NM_000089.4 (MANE Select); coding-DNA position 3936, one base duplicated (T; older notation c.3936dupT).
Protein change: p.Leu1313fs; shifts the reading frame from leucine 1313.
Molecular consequence: frameshift variant.
Genome position (GRCh38, 1-based): chr7:94,429,412, T duplicated; the last of 2 consecutive T bases (chr7:94,429,411-94,429,412); duplicating either gives the same sequence. VCF-style (leftmost placement, unchanged base first): chr7-94429410-G-GT. GRCh37 (hg19) VCF-style: chr7-94058722-G-GT.
Other names: short protein forms L1313fs.
Identifiers: ClinVar variation 1349259 (VCV001349259.8), dbSNP rs2115967082, ClinGen allele CA2573142497.

ClinVar aggregate classification (germline): Uncertain significance (1 of 4 stars; one submission).

Conditions:
Osteogenesis imperfecta type I (OI1). Also called: OI, TYPE I; OSTEOGENESIS IMPERFECTA TARDA; OSTEOGENESIS IMPERFECTA WITH BLUE SCLERAE; Osteogenesis imperfecta type 1; Lobstein's Disease; Lobstein disease. Identifiers: Orphanet 216796, Orphanet 666, MedGen C0023931, MONDO:0008146, OMIM 166200. Disease mechanism: loss of function.
Ehlers-Danlos syndrome, classic type, 1 (EDSCL1). Also called: EHLERS-DANLOS SYNDROME, GRAVIS TYPE; EHLERS-DANLOS SYNDROME, SEVERE CLASSIC TYPE; Ehlers-Danlos syndrome, type 1; EDS I; Ehlers-Danlos Syndrome, Classic Type, COL5A1-Related. Identifiers: MedGen C0268335, MONDO:0019567, OMIM 130000.

Submission:

Labcorp Genetics (formerly Invitae), Labcorp
Classification: Uncertain significance for Osteogenesis imperfecta type I; Ehlers-Danlos syndrome, classic type, 1. Last evaluated: 2020-12-24. Review status: criteria provided, single submitter. Criteria: Invitae Variant Classification Sherloc (09022015). Collection method: clinical testing. Allele origin: germline.
Comment: This variant has been observed in individual(s) with osteogenesis imperfecta (Invitae). This variant is not present in population databases (ExAC no frequency). This sequence change creates a premature translational stop signal (p.Leu1313Serfs*7) in the COL1A2 gene. While this is not anticipated to result in nonsense mediated decay, it is expected to disrupt the last 54 amino acid(s) of the COL1A2 protein. Experimental studies and prediction algorithms are not available or were not evaluated, and the functional significance of this variant is currently unknown. In summary, the available evidence is currently insufficient to determine the role of this variant in disease. Therefore, it has been classified as a Variant of Uncertain Significance.